The following is an entry in ClinVar:

ClinVar aggregate classification (germline): Uncertain significance (1 of 4 stars; one submission).

Submission:

Labcorp Genetics (formerly Invitae), Labcorp
Classification: Uncertain significance. Last evaluated: 2025-03-16. Review status: criteria provided, single submitter. Criteria: Invitae Variant Classification Sherloc (09022015). Collection method: clinical testing. Allele origin: germline.
Comment: This sequence change falls in intron 4 of the CEP97 gene. It does not directly change the encoded amino acid sequence of the CEP97 protein. It affects a nucleotide within the consensus splice site. This variant is present in population databases (rs779253364, gnomAD 0.006%). This variant has not been reported in the literature in individuals affected with CEP97-related conditions. Variants that disrupt the consensus splice site are a relatively common cause of aberrant splicing (PMID: 17576681, 9536098). Algorithms developed to predict the effect of sequence changes on RNA splicing suggest that this variant may disrupt the consensus splice site. In summary, the available evidence is currently insufficient to determine the role of this variant in disease. Therefore, it has been classified as a Variant of Uncertain Significance.

Literature cited by the submitters: PubMed 17576681; PubMed 9536098.

NM_024548.4(CEP97):c.447+4_447+7del

Gene: CEP97 (centrosomal protein 97; plus strand). Cytogenetic location: 3q12.3.
Variant type: Microsatellite.
Coding change: c.447+4_447+7del on transcript NM_024548.4 (MANE Select); bases 4 to 7 of the intron after coding-DNA position 447, 4 bases deleted (AGTA; older notation c.447+4_447+7delAGTA).
Molecular consequence: splice donor variant.
Genome position (GRCh38, 1-based): chr3:101,728,941-101,728,944, AGTA deleted; deleting any 4 consecutive bases within chr3:101,728,936-101,728,944 gives the same sequence; the c. name uses the placement nearest the transcript's 3' end. VCF-style (leftmost placement, unchanged base first): chr3-101728935-AAAGT-A. GRCh37 (hg19) VCF-style: chr3-101447779-AAAGT-A.
Other names: c.447+4_447+7del (NM_001303401.2).
Identifiers: ClinVar variation 2416910 (VCV002416910.4), dbSNP rs779253364, ClinGen allele CA2521900.